The following is an entry in ClinVar:

NM_003823.4(TNFRSF6B):c.868C>T (p.Arg290Trp)

Genes: RTEL1-TNFRSF6B (RTEL1-TNFRSF6B readthrough (NMD candidate); plus strand), TNFRSF6B (TNF receptor superfamily member 6b; plus strand). Cytogenetic location: 20q13.33.
Variant type: single nucleotide variant.
Coding change: c.868C>T on transcript NM_003823.4 (MANE Select); coding-DNA position 868, C replaced by T.
Protein change: p.Arg290Trp; replaces arginine 290 with tryptophan.
Molecular consequence: missense variant. On other transcripts: non-coding transcript variant (1).
Genome position (GRCh38, 1-based): chr20:63,698,528, C>T. VCF-style: chr20-63698528-C-T. GRCh37 (hg19) VCF-style: chr20-62329881-C-T.
Other names: short protein forms R290W.
Identifiers: ClinVar variation 1354838 (VCV001354838.6), dbSNP rs753993262, ClinGen allele CA9966650.
Genomic context (GRCh38, chr20:63,698,528, plus strand): 5'-GGGGCGCTGCTGGTGCGGCTGCTGCAGGCGCTGCGCGTGGCCAGGATGCCCGGGCTGGAG[C>T]GGAGCGTCCGTGAGCGCTTCCTCCCTGTGCACTGATCCTGGCCCCCTCTTATTTATTCTA-3'
Protein context (NP_003814.1, residues 280-300): LRVARMPGLE[Arg290Trp]SVRERFLPVH

ClinVar aggregate classification (germline): Uncertain significance (1 of 4 stars; one submission).

Allele frequency attached by ClinVar (database versions not stated): TOPMed 0.00001; ExAC 0.00002; gnomAD 0.00002.
gnomAD v4.1: 40 of 1,546,588 alleles (0.0026%); highest among the groups gnomAD compares: Non-Finnish European, 0.0031%; no homozygotes.

Submission:

Labcorp Genetics (formerly Invitae), Labcorp
Classification: Uncertain significance. Last evaluated: 2025-06-29. Review status: criteria provided, single submitter. Criteria: Invitae Variant Classification Sherloc (09022015). Collection method: clinical testing. Allele origin: germline.
Comment: This sequence change replaces arginine, which is basic and polar, with tryptophan, which is neutral and slightly polar, at codon 290 of the TNFRSF6B protein (p.Arg290Trp). The frequency data for this variant in the population databases is considered unreliable, as metrics indicate poor data quality at this position in the gnomAD database. This variant has not been reported in the literature in individuals affected with TNFRSF6B-related conditions. ClinVar contains an entry for this variant (Variation ID: 1354838). An algorithm developed to predict the effect of missense changes on protein structure and function (PolyPhen-2) suggests that this variant is likely to be disruptive. In summary, the available evidence is currently insufficient to determine the role of this variant in disease. Therefore, it has been classified as a Variant of Uncertain Significance.